The following is an entry in ClinVar:

NC_000006.11:g.(?_51637490)_(51637597_?)del

Gene: PKHD1 (PKHD1 ciliary IPT domain containing fibrocystin/polyductin; minus strand). Cytogenetic location: 6p12.3.
Variant type: Deletion.
Identifiers: ClinVar variation 1073092 (VCV001073092.5).

ClinVar aggregate classification (germline): Pathogenic (1 of 4 stars; one submission).

Conditions:
Autosomal recessive polycystic kidney disease (ARPKD). Also called: AR polycystic kidney disease. Identifiers: Orphanet 731, Orphanet 8378, MedGen C0085548, MeSH D017044, MONDO:0009889.

Submission:

Labcorp Genetics (formerly Invitae), Labcorp
Classification: Pathogenic for Autosomal recessive polycystic kidney disease. Last evaluated: 2020-07-28. Review status: criteria provided, single submitter. Criteria: Invitae Variant Classification Sherloc (09022015). Collection method: clinical testing. Allele origin: germline.
Comment: This variant is an out-of-frame deletion of the genomic region encompassing exon(s) 55 of the PKHD1 gene. This is expected to create a premature translational stop signal and result in an absent or disrupted protein product. This variant has not been reported in the literature in individuals with PKHD1-related conditions. Loss-of-function variants in PKHD1 are known to be pathogenic (PMID: 19940839). For these reasons, this variant has been classified as Pathogenic.

Literature cited by the submitters: PubMed 19940839.